The following is an entry in ClinVar:

NM_006005.3(WFS1):c.2662T>G (p.Ser888Ala)

Gene: WFS1 (wolframin ER transmembrane glycoprotein; plus strand). Cytogenetic location: 4p16.1.
Variant type: single nucleotide variant.
Coding change: c.2662T>G on transcript NM_006005.3 (MANE Select); coding-DNA position 2662, T replaced by G.
Protein change: p.Ser888Ala; replaces serine 888 with alanine.
Molecular consequence: missense variant.
Genome position (GRCh38, 1-based): chr4:6,302,457, T>G. VCF-style: chr4-6302457-T-G. GRCh37 (hg19) VCF-style: chr4-6304184-T-G.
Other names: c.2662T>G, p.Ser888Ala (NM_001145853.1); short protein forms S888A.
Identifiers: ClinVar variation 2057200 (VCV002057200.4), dbSNP rs1730983350, ClinGen allele CA356179806.
Genomic context (GRCh38, chr4:6,302,457, plus strand): 5'-CGCAGCACCGTGCATGGCGCCGTGAAGTTCGCCTTCGACTTCTTTTTCTTCCCATTCCTG[T>G]CGGCGGCCTGAGGATGGTCCGCCACGAGGAGCTTCCAGTGCATGTTGCCATGAGGCCTTT-3'
Protein context (NP_005996.2, residues 878-890): AFDFFFFPFL[Ser888Ala]AA

ClinVar aggregate classification (germline): Uncertain significance (1 of 4 stars; one submission).

Submission:

Labcorp Genetics (formerly Invitae), Labcorp
Classification: Uncertain significance. Last evaluated: 2021-12-24. Review status: criteria provided, single submitter. Criteria: Invitae Variant Classification Sherloc (09022015). Collection method: clinical testing. Allele origin: germline.
Comment: This sequence change replaces serine, which is neutral and polar, with alanine, which is neutral and non-polar, at codon 888 of the WFS1 protein (p.Ser888Ala). This variant is not present in population databases (gnomAD no frequency). This variant has not been reported in the literature in individuals affected with WFS1-related conditions. Algorithms developed to predict the effect of missense changes on protein structure and function are either unavailable or do not agree on the potential impact of this missense change (SIFT: "Deleterious"; PolyPhen-2: "Probably Damaging"; Align-GVGD: "Class C0"). In summary, the available evidence is currently insufficient to determine the role of this variant in disease. Therefore, it has been classified as a Variant of Uncertain Significance.